The following is an entry in ClinVar:

NM_000426.4(LAMA2):c.665G>C (p.Arg222Thr)

Gene: LAMA2 (laminin subunit alpha 2; plus strand). Cytogenetic location: 6q22.33.
Variant type: single nucleotide variant.
Coding change: c.665G>C on transcript NM_000426.4 (MANE Select); coding-DNA position 665, G replaced by C.
Protein change: p.Arg222Thr; replaces arginine 222 with threonine.
Molecular consequence: missense variant.
Genome position (GRCh38, 1-based): chr6:129,143,926, G>C. VCF-style: chr6-129143926-G-C. GRCh37 (hg19) VCF-style: chr6-129465071-G-C.
Other names: c.665G>C, p.Arg222Thr (NM_001079823.2); short protein forms R222T.
Identifiers: ClinVar variation 432591 (VCV000432591.2), dbSNP rs1267371641, ClinGen allele CA365605925.

ClinVar aggregate classification (germline): Uncertain significance (1 of 4 stars; one submission).

Allele frequency attached by ClinVar (database versions not stated): gnomAD exomes below 0.00001; gnomAD 0.00001; TOPMed 0.00001.
gnomAD v4.1: 2 of 1,606,970 alleles (0.00012%); highest among the groups gnomAD compares: Non-Finnish European, 0.00017%; no homozygotes.

Submission:

GeneDx
Classification: Uncertain significance. Last evaluated: 2017-06-08. Review status: criteria provided, single submitter. Criteria: GeneDx Variant Classification (06012015). Collection method: clinical testing. Allele origin: germline. Affected: yes.
Comment: The R222T variant in the LAMA2 gene has not been reported previously as a pathogenic variant, nor as a benign variant, to our knowledge. The R222T variant is not observed in large population cohorts (Lek et al., 2016; 1000 Genomes Consortium et al., 2015; Exome Variant Server). The R222T variant is a semi-conservative amino acid substitution, which may impact secondary protein structure as these residues differ in some properties. This substitution occurs at a position that is conserved across species and in silico analysis predicts this variant is probably damaging to the protein structure/function. We interpret R222T as a variant of uncertain significance.